The following is an entry in ClinVar:

NM_002439.5(MSH3):c.609del (p.Phe203fs)

Gene: MSH3 (mutS homolog 3; plus strand). Cytogenetic location: 5q14.1.
Variant type: Deletion.
Coding change: c.609del on transcript NM_002439.5 (MANE Select); coding-DNA position 609, one base deleted (T; older notation c.609delT).
Protein change: p.Phe203fs; shifts the reading frame from phenylalanine 203.
Molecular consequence: frameshift variant.
Genome position (GRCh38, 1-based): chr5:80,670,126, T deleted; the last of 3 consecutive T bases (chr5:80,670,124-80,670,126); deleting any one gives the same sequence. VCF-style (leftmost placement, unchanged base first): chr5-80670123-GT-G. GRCh37 (hg19) VCF-style: chr5-79965942-GT-G.
Other names: short protein forms F203fs.
Identifiers: ClinVar variation 852001 (VCV000852001.7), dbSNP rs1749670835, ClinGen allele CA916082720.

ClinVar aggregate classification (germline): Pathogenic (1 of 4 stars; one submission).

Submission:

Labcorp Genetics (formerly Invitae), Labcorp
Classification: Pathogenic. Last evaluated: 2019-11-20. Review status: criteria provided, single submitter. Criteria: Invitae Variant Classification Sherloc (09022015). Collection method: clinical testing. Allele origin: germline.
Comment: This sequence change creates a premature translational stop signal (p.Phe203Leufs*30) in the MSH3 gene. It is expected to result in an absent or disrupted protein product. This variant is not present in population databases (ExAC no frequency). This variant has not been reported in the literature in individuals with MSH3-related conditions. Loss-of-function variants in MSH3 are known to be pathogenic (PMID: 27476653). For these reasons, this variant has been classified as Pathogenic.

Literature cited by the submitters: PubMed 27476653.